The following is an entry in ClinVar:

ClinVar aggregate classification (germline): Uncertain significance. Review status: criteria provided, multiple submitters, no conflicts (2 of 4 stars). 2 submissions from 2 submitters: Uncertain significance (2). Last evaluated 2024-12-29.

Conditions:
PKD1-related disorder. Also called: PKD1-related condition.
Polycystic kidney disease, adult type (PKD1). Also called: Polycystic Kidney Disease 1, Autosomal Dominant; Polycystic kidney disease 1; Polycystic kidney disease 1, severe; Polycystic Kidney, Autosomal Dominant; POLYCYSTIC KIDNEY DISEASE, ADULT, TYPE I; POLYCYSTIC KIDNEY DISEASE 1 WITH OR WITHOUT POLYCYSTIC LIVER DISEASE. Identifiers: MedGen C3149841, MONDO:0008263, OMIM 173900.

gnomAD v4.1: 14 of 1,586,600 alleles (0.00088%); highest among the groups gnomAD compares: Admixed American, 0.017%; no homozygotes.

Submissions (2):

PreventionGenetics, part of Exact Sciences
Classification: Uncertain significance for PKD1-related condition. Last evaluated: 2024-12-29. Review status: criteria provided, single submitter. Criteria: ACMG Guidelines, 2015. Collection method: clinical testing. Allele origin: germline.
Comment: The PKD1 c.7955C>G variant is predicted to result in the amino acid substitution p.Ser2652Cys. To our knowledge, this variant has not been reported in the literature. This variant is reported in 0.029% of alleles in individuals of Latino descent in gnomAD. Although we suspect that this variant may be benign, at this time, the clinical significance of this variant is uncertain due to the absence of conclusive functional and genetic evidence.

Fulgent Genetics
Classification: Uncertain significance for Polycystic kidney disease, adult type. Last evaluated: 2024-05-31. Review status: criteria provided, single submitter. Criteria: ACMG Guidelines, 2015. Collection method: clinical testing. Allele origin: germline.

NM_001009944.3(PKD1):c.7955C>G (p.Ser2652Cys)

Gene: PKD1 (polycystin 1, transient receptor potential channel interacting; minus strand). Cytogenetic location: 16p13.3.
Variant type: single nucleotide variant.
Coding change: c.7955C>G on transcript NM_001009944.3 (MANE Select); coding-DNA position 7955, C replaced by G.
Protein change: p.Ser2652Cys; replaces serine 2652 with cysteine.
Molecular consequence: missense variant.
Genome position (GRCh38, 1-based): chr16:2,105,383, G>C on the plus strand (C>G on the coding strand, the complement: PKD1 is on the minus strand). VCF-style: chr16-2105383-G-C. GRCh37 (hg19) VCF-style: chr16-2155384-G-C.
Other names: c.7955C>G, p.Ser2652Cys (NM_000296.4); short protein forms S2652C.
Identifiers: ClinVar variation 3579227 (VCV003579227.2).
Genomic context (GRCh38, chr16:2,105,383, plus strand): 5'-ATGCACTGGGCCAGCGCAGCAGCGATCTGCTGGATGTCATCCACAGTGTGGACCCTCAGG[G>C]ACACCAGAGTCTCCGTGATGTTCTTGCGTATCTGGGCTCGGTGCTGCCGCTCGTGCTTGG-3'
Protein context (NP_001009944.3, residues 2642-2662): IRKNITETLV[Ser2652Cys]LRVHTVDDIQ